The following is an entry in ClinVar:

NM_006648.4(WNK2):c.4093C>A (p.Gln1365Lys)

Gene: WNK2 (WNK lysine deficient protein kinase 2; plus strand). Cytogenetic location: 9q22.31.
Variant type: single nucleotide variant.
Coding change: c.4093C>A on transcript NM_006648.4 (MANE Select); coding-DNA position 4093, C replaced by A.
Protein change: p.Gln1365Lys; replaces glutamine 1365 with lysine.
Molecular consequence: missense variant.
Genome position (GRCh38, 1-based): chr9:93,288,847, C>A. VCF-style: chr9-93288847-C-A. GRCh37 (hg19) VCF-style: chr9-96051129-C-A.
Other names: c.4204C>A, p.Gln1402Lys (NM_001282394.3); short protein forms Q1402K, Q1365K.
Identifiers: ClinVar variation 3470464 (VCV003470464.1).
Genomic context (GRCh38, chr9:93,288,847, plus strand): 5'-GATTCAGCGCCCTATAAAGACCAGCTGTCCTCGAAGGAACAACCCAGCTTTCTAGCCAGT[C>A]AGCAGCTCCTGAGCCAGGCGGGCCCCAGCAACCCTCCTGGGGCACCCCCAGCCCCTTTGG-3'
Protein context (NP_006639.3, residues 1355-1375): SKEQPSFLAS[Gln1365Lys]QLLSQAGPSN

ClinVar aggregate classification (germline): Uncertain significance (1 of 4 stars; one submission).

gnomAD v4.1: 1 of 1,612,314 alleles (0.000062%); highest among the groups gnomAD compares: Non-Finnish European, 0.000085%; no homozygotes.

Submission:

Ambry Genetics
Classification: Uncertain significance. Last evaluated: 2024-11-26. Review status: criteria provided, single submitter. Criteria: Ambry Variant Classification Scheme 2023. Collection method: clinical testing. Allele origin: germline.
Comment: The p.Q1365K variant (also known as c.4093C>A), located in coding exon 19 of the WNK2 gene, results from a C to A substitution at nucleotide position 4093. The glutamine at codon 1365 is replaced by lysine, an amino acid with similar properties. This amino acid position is conserved. In addition, this alteration is predicted to be tolerated by in silico analysis. Based on the available evidence, the clinical significance of this variant remains unclear.